The following is an entry in ClinVar:

ClinVar aggregate classification (germline): Pathogenic (1 of 4 stars; one submission).

Submission:

Labcorp Genetics (formerly Invitae), Labcorp
Classification: Pathogenic. Last evaluated: 2023-10-13. Review status: criteria provided, single submitter. Criteria: Invitae Variant Classification Sherloc (09022015). Collection method: clinical testing. Allele origin: germline.
Comment: This sequence change creates a premature translational stop signal (p.Trp273*) in the PLOD2 gene. It is expected to result in an absent or disrupted protein product. Loss-of-function variants in PLOD2 are known to be pathogenic (PMID: 22689593, 25238597, 29178448). This variant is not present in population databases (gnomAD no frequency). This variant has not been reported in the literature in individuals affected with PLOD2-related conditions. Algorithms developed to predict the effect of sequence changes on RNA splicing suggest that this variant may disrupt the consensus splice site. For these reasons, this variant has been classified as Pathogenic.

Literature cited by the submitters: PubMed 22689593; PubMed 25238597; PubMed 29178448.

NM_182943.3(PLOD2):c.818G>A (p.Trp273Ter)

Gene: PLOD2 (procollagen-lysine,2-oxoglutarate 5-dioxygenase 2; minus strand). Cytogenetic location: 3q24.
Variant type: single nucleotide variant.
Coding change: c.818G>A on transcript NM_182943.3 (MANE Select); coding-DNA position 818, G replaced by A.
Protein change: p.Trp273Ter; replaces tryptophan 273 with a stop codon.
Molecular consequence: nonsense.
Genome position (GRCh38, 1-based): chr3:146,091,861, C>T on the plus strand (G>A on the coding strand, the complement: PLOD2 is on the minus strand). VCF-style: chr3-146091861-C-T. GRCh37 (hg19) VCF-style: chr3-145809648-C-T.
Other names: c.818G>A, p.Trp273Ter (NM_000935.3); short protein forms W273*.
Identifiers: ClinVar variation 2747849 (VCV002747849.3), dbSNP rs2473271217, ClinGen allele CA354893378.